The following is an entry in ClinVar:

NM_033026.6(PCLO):c.1961C>T (p.Pro654Leu)

Gene: PCLO (piccolo presynaptic cytomatrix protein; minus strand). Cytogenetic location: 7q21.11.
Variant type: single nucleotide variant.
Coding change: c.1961C>T on transcript NM_033026.6 (MANE Select); coding-DNA position 1961, C replaced by T.
Protein change: p.Pro654Leu; replaces proline 654 with leucine.
Molecular consequence: missense variant.
Genome position (GRCh38, 1-based): chr7:83,135,589, G>A on the plus strand (C>T on the coding strand, the complement: PCLO is on the minus strand). VCF-style: chr7-83135589-G-A. GRCh37 (hg19) VCF-style: chr7-82764905-G-A.
Other names: c.1961C>T, p.Pro654Leu (NM_014510.3); c.1961C>T (NM_033026.5); short protein forms P654L.
Identifiers: ClinVar variation 1485891 (VCV001485891.4), dbSNP rs770951165, ClinGen allele CA4321340.

ClinVar aggregate classification (germline): Uncertain significance. Review status: criteria provided, multiple submitters, no conflicts (2 of 4 stars). 2 submissions from 2 submitters: Uncertain significance (2). Last evaluated 2022-08-09.

Conditions:
Inborn genetic diseases. Identifiers: MedGen C0950123, MeSH D030342.

Allele frequency attached by ClinVar (database versions not stated): ExAC 0.00001; gnomAD exomes 0.00002.
gnomAD v4.1: 28 of 1,612,792 alleles (0.0017%); highest among the groups gnomAD compares: South Asian, 0.0044%; no homozygotes.

Submissions (2):

Labcorp Genetics (formerly Invitae), Labcorp
Classification: Uncertain significance. Last evaluated: 2022-08-09. Review status: criteria provided, single submitter. Criteria: Invitae Variant Classification Sherloc (09022015). Collection method: clinical testing. Allele origin: germline.
Comment: This sequence change replaces proline, which is neutral and non-polar, with leucine, which is neutral and non-polar, at codon 654 of the PCLO protein (p.Pro654Leu). This variant is present in population databases (rs770951165, gnomAD 0.007%). This variant has not been reported in the literature in individuals affected with PCLO-related conditions. ClinVar contains an entry for this variant (Variation ID: 1485891). Algorithms developed to predict the effect of missense changes on protein structure and function are either unavailable or do not agree on the potential impact of this missense change (SIFT: "Tolerated"; PolyPhen-2: "Not Available"; Align-GVGD: "Class C0"). In summary, the available evidence is currently insufficient to determine the role of this variant in disease. Therefore, it has been classified as a Variant of Uncertain Significance.

Ambry Genetics
Classification: Uncertain significance for Inborn genetic diseases. Last evaluated: 2021-10-20. Review status: criteria provided, single submitter. Criteria: Ambry Variant Classification Scheme 2023. Collection method: clinical testing. Allele origin: germline.